The following is an entry in ClinVar:

ClinVar aggregate classification (germline): Pathogenic. Review status: reviewed by expert panel (3 of 4 stars). 2 submissions from 2 submitters: Pathogenic (1). 1 of the submissions does not count toward it. Last evaluated 2024-02-09.

Conditions:
Hereditary factor IX deficiency disease (HEMB). Also called: Christmas Disease; F9 DEFICIENCY; FACTOR IX DEFICIENCY; PLASMA THROMBOPLASTIN COMPONENT DEFICIENCY; Hemophilia B. Identifiers: Orphanet 98879, MedGen C0008533, MeSH D002836, MONDO:0010604, OMIM 306900.

Submissions (2):

ClinGen Coagulation Factor Deficiency Variant Curation Expert Panel, Clingen
Classification: Pathogenic for Hereditary factor IX deficiency disease. Last evaluated: 2024-02-09. Review status: reviewed by expert panel. Criteria: ClinGen CoagFactor ACMG Specifications F9 V1.0.0. Collection method: curation. Allele origin: germline. Inheritance: X-linked inheritance.
Comment: The NM_000133.4(F9):c.720G>A variant predicts a nonsense change, Trp240Ter, in exon 6 of the F9 gene; NMD is predicted, meeting PVS1 criteria. The variant is absent from gnomAD v2.1.1 and v3, meeting PM2_Supporting criteria. At least 8 severe hemophilia B patients meeting the F9 phenotype criteria have been reported in the literature (PMIDs: 23093250, 18479429, 8091381, 15086324), meeting PS4_Very strong. Inhibitors to factor replacement therapies have been reported (EAHAD database). In summary, the variant meets criteria to be classified as pathogenic. ACMG/AMP criteria applied, as specified by the Coagulation Factor Deficiency VCEP for F9: PVS1, PS4_Very strong, PM2_Supporting.

ARUP Laboratories, Molecular Genetics and Genomics, ARUP Laboratories
Classification: Pathogenic. Last evaluated: 2019-02-13. Review status: criteria provided, single submitter. Criteria: ARUP Molecular Germline Variant Investigation Process. Collection method: clinical testing. Allele origin: germline. Not counted in ClinVar's aggregate classification.
Comment: The F9 c.720G>A; p.Trp240Ter variant, also known as 20562G>A; Trp194Stop, is published in the medical literature in individuals with severe hemophilia B (Belvini 2005, Jenkins 2008). The variant is absent from general population databases (1000 Genomes Project, Exome Variant Server, and Genome Aggregation Database), indicating it is not a common polymorphism. This variant induces an early termination codon and is predicted to result in a truncated protein or mRNA subject to nonsense-mediated decay. Considering available information, this variant is classified as pathogenic. References: Belvini D et al. Molecular genotyping of the Italian cohort of patients with hemophilia B. Haematologica. 2005 May;90(5):635-42. Jenkins PV et al. Mutation analysis of haemophilia B in the Irish population: increased prevalence caused by founder effect. Haemophilia. 2008 Jul;14(4):717-22.

NM_000133.4(F9):c.720G>A (p.Trp240Ter)

Gene: F9 (coagulation factor IX; plus strand). Cytogenetic location: Xq27.1.
Variant type: single nucleotide variant.
Coding change: c.720G>A on transcript NM_000133.4 (MANE Select); coding-DNA position 720, G replaced by A.
Protein change: p.Trp240Ter; replaces tryptophan 240 with a stop codon.
Molecular consequence: nonsense.
Genome position (GRCh38, 1-based): chrX:139,551,261, G>A. VCF-style: chrX-139551261-G-A. GRCh37 (hg19) VCF-style: chrX-138633420-G-A.
Other names: NM_000133.4(F9):c.720G>A; p.Trp240Ter; c.606G>A, p.Trp202Ter (NM_001313913.2); short protein forms W202*, W240*.
Identifiers: ClinVar variation 810867 (VCV000810867.10), dbSNP rs1603265830, ClinGen allele CA414441410.